The following is an entry in ClinVar:

NM_024818.6(UBA5):c.1193T>A (p.Met398Lys)

Genes: NPHP3-ACAD11 (NPHP3-ACAD11 readthrough (NMD candidate); minus strand), UBA5 (ubiquitin like modifier activating enzyme 5; plus strand). Cytogenetic location: 3q22.1.
Variant type: single nucleotide variant.
Coding change: c.1193T>A on transcript NM_024818.6 (MANE Select); coding-DNA position 1193, T replaced by A.
Protein change: p.Met398Lys; replaces methionine 398 with lysine.
Molecular consequence: missense variant.
Genome position (GRCh38, 1-based): chr3:132,676,504, T>A. VCF-style: chr3-132676504-T-A. GRCh37 (hg19) VCF-style: chr3-132395348-T-A.
Other names: c.1025T>A, p.Met342Lys (NM_001320210.2, NM_198329.4); c.923T>A, p.Met308Lys (NM_001321238.2); c.857T>A, p.Met286Lys (NM_001321239.1); short protein forms M342K, M398K, M286K, M308K.
Identifiers: ClinVar variation 1460518 (VCV001460518.3), dbSNP rs763145207, ClinGen allele CA2621568.

ClinVar aggregate classification (germline): Uncertain significance (1 of 4 stars; one submission).

Allele frequency attached by ClinVar (database versions not stated): ExAC 0.00001; gnomAD 0.00001; gnomAD exomes 0.00001.
gnomAD v4.1: 11 of 1,610,114 alleles (0.00068%); highest among the groups gnomAD compares: Non-Finnish European, 0.00068%; no homozygotes.

Submission:

Labcorp Genetics (formerly Invitae), Labcorp
Classification: Uncertain significance. Last evaluated: 2021-10-20. Review status: criteria provided, single submitter. Criteria: Invitae Variant Classification Sherloc (09022015). Collection method: clinical testing. Allele origin: germline.
Comment: This sequence change replaces methionine with lysine at codon 398 of the UBA5 protein (p.Met398Lys). The methionine residue is highly conserved and there is a moderate physicochemical difference between methionine and lysine. This variant is present in population databases (rs763145207, ExAC 0.002%). This variant has not been reported in the literature in individuals affected with UBA5-related conditions. Algorithms developed to predict the effect of missense changes on protein structure and function are either unavailable or do not agree on the potential impact of this missense change (SIFT: "Not Available"; PolyPhen-2: "Possibly Damaging"; Align-GVGD: "Not Available"). In summary, the available evidence is currently insufficient to determine the role of this variant in disease. Therefore, it has been classified as a Variant of Uncertain Significance.